The following is an entry in ClinVar:

NM_000238.4(KCNH2):c.3166C>A (p.Leu1056Met)

Gene: KCNH2 (potassium voltage-gated channel subfamily H member 2; minus strand). Cytogenetic location: 7q36.1.
Variant type: single nucleotide variant.
Coding change: c.3166C>A on transcript NM_000238.4 (MANE Select); coding-DNA position 3166, C replaced by A.
Protein change: p.Leu1056Met; replaces leucine 1056 with methionine.
Molecular consequence: missense variant. On other transcripts: non-coding transcript variant (2).
Genome position (GRCh38, 1-based): chr7:150,947,041, G>T on the plus strand (C>A on the coding strand, the complement: KCNH2 is on the minus strand). VCF-style: chr7-150947041-G-T. GRCh37 (hg19) VCF-style: chr7-150644129-G-T.
Other names: c.2878C>A, p.Leu960Met (NM_001406753.1); c.2146C>A, p.Leu716Met (NM_172057.3); short protein forms L960M, L1056M, L716M.
Identifiers: ClinVar variation 2769852 (VCV002769852.3), dbSNP rs2486001454, ClinGen allele CA369852375.

ClinVar aggregate classification (germline): Uncertain significance (1 of 4 stars; one submission).

Conditions:
Long QT syndrome (LQTS). Identifiers: MedGen C0023976, MeSH D008133, MONDO:0002442. Disease mechanism: loss of function. Inheritance: Various modes of inheritance.

Submission:

Labcorp Genetics (formerly Invitae), Labcorp
Classification: Uncertain significance for Long QT syndrome. Last evaluated: 2023-06-05. Review status: criteria provided, single submitter. Criteria: Invitae Variant Classification Sherloc (09022015). Collection method: clinical testing. Allele origin: germline.
Comment: In summary, the available evidence is currently insufficient to determine the role of this variant in disease. Therefore, it has been classified as a Variant of Uncertain Significance. An algorithm developed to predict the effect of missense changes on protein structure and function (PolyPhen-2) suggests that this variant is likely to be tolerated. This variant has not been reported in the literature in individuals affected with KCNH2-related conditions. This variant is not present in population databases (gnomAD no frequency). This sequence change replaces leucine, which is neutral and non-polar, with methionine, which is neutral and non-polar, at codon 1056 of the KCNH2 protein (p.Leu1056Met).